The following is an entry in ClinVar:

NM_020297.4(ABCC9):c.1319del (p.Gln440fs)

Gene: ABCC9 (ATP binding cassette subfamily C member 9; minus strand). Cytogenetic location: 12p12.1.
Variant type: Deletion.
Coding change: c.1319del on transcript NM_020297.4 (MANE Select); coding-DNA position 1319, one base deleted (A; older notation c.1319delA).
Protein change: p.Gln440fs; shifts the reading frame from glutamine 440.
Molecular consequence: frameshift variant.
Genome position (GRCh38, 1-based): chr12:21,910,158, T deleted on the plus strand (A on the coding strand, the reverse complement: ABCC9 is on the minus strand). VCF-style (leftmost placement, unchanged base first): chr12-21910157-CT-C. GRCh37 (hg19) VCF-style: chr12-22063091-CT-C.
Other names: c.1319del, p.Gln440fs (NM_001377273.1, NM_005691.4); c.455del, p.Gln152fs (NM_001377274.1); short protein forms Q152fs, Q440fs.
Identifiers: ClinVar variation 1409851 (VCV001409851.6), dbSNP rs2137868283, ClinGen allele CA2573148464.

ClinVar aggregate classification (germline): Pathogenic (1 of 4 stars; one submission).

Conditions:
Dilated cardiomyopathy 1O (CMD1O). Also called: CARDIOMYOPATHY, DILATED, WITH VENTRICULAR TACHYCARDIA. Identifiers: Orphanet 154, MedGen C1837839, MONDO:0012062, OMIM 608569.

Submission:

Labcorp Genetics (formerly Invitae), Labcorp
Classification: Pathogenic for Dilated cardiomyopathy 1O. Last evaluated: 2024-10-01. Review status: criteria provided, single submitter. Criteria: Invitae Variant Classification Sherloc (09022015). Collection method: clinical testing. Allele origin: germline.
Comment: This sequence change creates a premature translational stop signal (p.Gln440Argfs*3) in the ABCC9 gene. It is expected to result in an absent or disrupted protein product. Loss-of-function variants in ABCC9 are known to be pathogenic (PMID: 31575858, 38217872). This variant is not present in population databases (gnomAD no frequency). This variant has not been reported in the literature in individuals affected with ABCC9-related conditions. ClinVar contains an entry for this variant (Variation ID: 1409851). Algorithms developed to predict the effect of sequence changes on RNA splicing suggest that this variant may disrupt the consensus splice site. For these reasons, this variant has been classified as Pathogenic.

Literature cited by the submitters: PubMed 31575858; PubMed 38217872.